The following is an entry in ClinVar:

ClinVar aggregate classification (germline): Uncertain significance. Review status: criteria provided, multiple submitters, no conflicts (2 of 4 stars). 3 submissions from 3 submitters: Uncertain significance (2). 1 of the submissions does not count toward it. Last evaluated 2026-03-14.

Conditions:
Cohen syndrome (COH1). Also called: PEPPER SYNDROME; Cutis verticis gyrata, retinitis pigmentosa, and sensorineural deafness. Identifiers: Orphanet 193, MedGen C0265223, MONDO:0008999, OMIM 216550.
VPS13B-related disorder. Also called: VPS13B-related condition.

Allele frequency attached by ClinVar (database versions not stated): TOPMed below 0.00001; gnomAD exomes 0.00001.
gnomAD v4.1: 4 of 1,612,382 alleles (0.00025%); highest among the groups gnomAD compares: Middle Eastern, 0.017%; no homozygotes.

Submissions (3):

PreventionGenetics, part of Exact Sciences
Classification: Uncertain significance for VPS13B-related condition. Last evaluated: 2026-03-14. Review status: criteria provided, single submitter. Criteria: ACMG Guidelines, 2015. Collection method: clinical testing. Allele origin: germline.
Comment: The VPS13B c.5248G>A variant is predicted to result in the amino acid substitution p.Asp1750Asn. To our knowledge, this variant has not been reported in the literature. This variant is reported in 0.0088% of alleles in individuals of Latino descent in gnomAD. At this time, the clinical significance of this variant is uncertain due to the absence of conclusive functional and genetic evidence.

Labcorp Genetics (formerly Invitae), Labcorp
Classification: Uncertain significance for Cohen syndrome. Last evaluated: 2022-07-23. Review status: criteria provided, single submitter. Criteria: Invitae Variant Classification Sherloc (09022015). Collection method: clinical testing. Allele origin: germline.
Comment: This sequence change replaces aspartic acid, which is acidic and polar, with asparagine, which is neutral and polar, at codon 1775 of the VPS13B protein (p.Asp1775Asn). This variant is present in population databases (no rsID available, gnomAD 0.009%). This variant has not been reported in the literature in individuals affected with VPS13B-related conditions. ClinVar contains an entry for this variant (Variation ID: 583299). Algorithms developed to predict the effect of missense changes on protein structure and function are either unavailable or do not agree on the potential impact of this missense change (SIFT: "Not Available"; PolyPhen-2: "Probably Damaging"; Align-GVGD: "Not Available"). In summary, the available evidence is currently insufficient to determine the role of this variant in disease. Therefore, it has been classified as a Variant of Uncertain Significance.

Natera, Inc.
Classification: Uncertain significance for Cohen syndrome. Last evaluated: 2021-06-22. Review status: no assertion criteria provided. Collection method: clinical testing. Allele origin: germline. Not counted in ClinVar's aggregate classification.

NM_152564.5(VPS13B):c.5248G>A (p.Asp1750Asn)

Gene: VPS13B (vacuolar protein sorting 13 homolog B; plus strand). Cytogenetic location: 8q22.2.
Variant type: single nucleotide variant.
Coding change: c.5248G>A on transcript NM_152564.5 (MANE Select); coding-DNA position 5248, G replaced by A.
Protein change: p.Asp1750Asn; replaces aspartic acid 1750 with asparagine.
Molecular consequence: missense variant.
Genome position (GRCh38, 1-based): chr8:99,641,838, G>A. VCF-style: chr8-99641838-G-A. GRCh37 (hg19) VCF-style: chr8-100654066-G-A.
Other names: c.5323G>A, p.Asp1775Asn (NM_017890.5); c.5248G>A (NM_152564.4); short protein forms D1750N, D1775N.
Identifiers: ClinVar variation 583299 (VCV000583299.7), dbSNP rs1241714095, ClinGen allele CA371872139.
Genomic context (GRCh38, chr8:99,641,838, plus strand): 5'-AGTTTGAAATATTTTATTACTTTTTTCTTACAGATCTCTAAACAAGAACAGAAAAAAGTG[G>A]ATATATTTGATGGAGGCATGGCTGAAACCTCATCTCGCTACAGTGGTGCTCAGGATAGTG-3'
Protein context (NP_689777.3, residues 1740-1760): EISKQEQKKV[Asp1750Asn]IFDGGMAETS